The following is an entry in ClinVar:

ClinVar aggregate classification (germline): Uncertain significance (1 of 4 stars; one submission).

Allele frequency attached by ClinVar (database versions not stated): gnomAD exomes 0.00001; TOPMed 0.00001; ExAC 0.00002.
gnomAD v4.1: 3 of 1,206,088 alleles (0.00025%); highest among the groups gnomAD compares: Non-Finnish European, 0.00034%; no homozygotes.

Submissions (3):

Labcorp Genetics (formerly Invitae), Labcorp
Classification: Uncertain significance. Last evaluated: 2023-08-04. Review status: criteria provided, single submitter. Criteria: Invitae Variant Classification Sherloc (09022015). Collection method: clinical testing. Allele origin: germline.
Comment: In summary, the available evidence is currently insufficient to determine the role of this variant in disease. Therefore, it has been classified as a Variant of Uncertain Significance. Advanced modeling of protein sequence and biophysical properties (such as structural, functional, and spatial information, amino acid conservation, physicochemical variation, residue mobility, and thermodynamic stability) performed at Invitae indicates that this missense variant is not expected to disrupt COL4A6 protein function. ClinVar contains an entry for this variant (Variation ID: 2126205). This variant has not been reported in the literature in individuals affected with COL4A6-related conditions. This variant is present in population databases (rs760496756, gnomAD 0.003%). This sequence change replaces histidine, which is basic and polar, with glutamine, which is neutral and polar, at codon 1149 of the COL4A6 protein (p.His1149Gln).

Dr. Peter K. Rogan Lab, Western University
No classification provided (evidence only). Condition: Thyroid cancer, nonmedullary, 1. Review status: no classification provided. Collection method: in vitro. Allele origin: not applicable. Functional consequence: retained intron. Not counted in ClinVar's aggregate classification.

Dr. Peter K. Rogan Lab, Western University
No classification provided (evidence only). Condition: Thyroid cancer, nonmedullary, 1. Review status: no classification provided. Collection method: in vitro. Allele origin: not applicable. Functional consequence: retained intron. Not counted in ClinVar's aggregate classification.

NM_033641.4(COL4A6):c.3444C>G (p.His1148Gln)

Gene: COL4A6 (collagen type IV alpha 6 chain; minus strand). Cytogenetic location: Xq22.3.
Variant type: single nucleotide variant.
Coding change: c.3444C>G on transcript NM_033641.4 (MANE Select); coding-DNA position 3444, C replaced by G.
Protein change: p.His1148Gln; replaces histidine 1148 with glutamine.
Molecular consequence: missense variant.
Genome position (GRCh38, 1-based): chrX:108,170,658, G>C on the plus strand (C>G on the coding strand, the complement: COL4A6 is on the minus strand). VCF-style: chrX-108170658-G-C. GRCh37 (hg19) VCF-style: chrX-107413888-G-C.
Other names: c.3495C>G, p.His1165Gln (NM_001287758.2); c.3444C>G, p.His1148Gln (NM_001287759.2, NM_001287760.2); c.3447C>G, p.His1149Gln (NM_001847.4); short protein forms H1165Q, H1148Q, H1149Q.
Identifiers: ClinVar variation 2126205 (VCV002126205.5), dbSNP rs760496756, ClinGen allele CA10487421.